The following is an entry in ClinVar:

NM_001040436.3(YARS2):c.154T>A (p.Phe52Ile)

Gene: YARS2 (tyrosyl-tRNA synthetase 2; minus strand). Cytogenetic location: 12p11.21.
Variant type: single nucleotide variant.
Coding change: c.154T>A on transcript NM_001040436.3 (MANE Select); coding-DNA position 154, T replaced by A.
Protein change: p.Phe52Ile; replaces phenylalanine 52 with isoleucine.
Molecular consequence: missense variant.
Genome position (GRCh38, 1-based): chr12:32,755,721, A>T on the plus strand (T>A on the coding strand, the complement: YARS2 is on the minus strand). VCF-style: chr12-32755721-A-T. GRCh37 (hg19) VCF-style: chr12-32908655-A-T.
Other names: short protein forms F52I.
Identifiers: ClinVar variation 4882748 (VCV004882748.2).

ClinVar aggregate classification (germline): Uncertain significance (1 of 4 stars; one submission).

Conditions:
Myopathy, lactic acidosis, and sideroblastic anemia 2 (MLASA2). Identifiers: Orphanet 2598, MedGen C3150802, MONDO:0013307, OMIM 613561.

Submission:

Dasa
Classification: Uncertain significance for myopathy, lactic acidosis, and sideroblastic anemia 2. Last evaluated: 2025-08-02. Review status: criteria provided, single submitter. Criteria: DASA Assertion Criteria. Collection method: clinical testing. Allele origin: germline.
Comment: NM_001040436.3(YARS2):c.154T>A (p.Phe52Ile) is a missense variant that results in the substitution of phenylalanine with isoleucine. The affected residue or protein region has prior evidence supporting clinical relevance. This variant has been observed in affected individuals with YARS2-related disorders. Also, this variant is rare in population databases. The currently available literature and clinical evidence are not sufficient to establish a definitive association between this variant and the reported condition. Therefore, this variant is classified as a variant of uncertain significance.